The following is an entry in ClinVar:

NM_006734.4(HIVEP2):c.4020G>A (p.Thr1340=)

Gene: HIVEP2 (HIVEP zinc finger 2; minus strand). Cytogenetic location: 6q24.2.
Variant type: single nucleotide variant.
Coding change: c.4020G>A on transcript NM_006734.4 (MANE Select); coding-DNA position 4020, G replaced by A.
Protein change: p.Thr1340=; no amino-acid change (threonine 1340 retained).
Molecular consequence: synonymous variant.
Genome position (GRCh38, 1-based): chr6:142,770,719, C>T on the plus strand (G>A on the coding strand, the complement: HIVEP2 is on the minus strand). VCF-style: chr6-142770719-C-T. GRCh37 (hg19) VCF-style: chr6-143091856-C-T.
Identifiers: ClinVar variation 2060179 (VCV002060179.21), dbSNP rs186721048, ClinGen allele CA4028142.
Genomic context (GRCh38, chr6:142,770,719, plus strand): 5'-ATTCTGCCCAAGTATCTGAGAAATGCTTGTGTACATGACACTTCCATAGGATGGTACGTG[C>T]GTCTGGATCCGAACAGGAACCACTGTTCCTGGGAGGGACTGCAAAGACCCAGCATTTGCC-3'
Protein context (NP_006725.3, residues 1330-1350): PGTVVPVRIQ[Thr1340=]HVPSYGSVMY

ClinVar aggregate classification (germline): Benign. Review status: criteria provided, multiple submitters, no conflicts (2 of 4 stars). 2 submissions from 2 submitters: Benign (2). Last evaluated 2026-01-08.

Allele frequency attached by ClinVar (database versions not stated): TOPMed 0.00029; gnomAD 0.00052; 1000 Genomes Project 0.00200; 1000 Genomes Project 30x 0.00219.
gnomAD v4.1: 1,140 of 1,614,126 alleles (0.071%); highest among the groups gnomAD compares: South Asian, 0.92%; 16 homozygotes.

Submissions (2):

Labcorp Genetics (formerly Invitae), Labcorp
Classification: Benign. Last evaluated: 2026-01-08. Review status: criteria provided, single submitter. Criteria: Invitae Variant Classification Sherloc (09022015). Collection method: clinical testing. Allele origin: germline.

CeGaT Center for Human Genetics Tuebingen
Classification: Benign. Last evaluated: 2024-07-01. Review status: criteria provided, single submitter. Criteria: CeGaT Center For Human Genetics Tuebingen Variant Classification Criteria Version 2. Collection method: clinical testing. Allele origin: germline. Affected: yes. Observed: 1 variant allele.
Comment: HIVEP2: BP4, BP7, BS1, BS2